The following is an entry in ClinVar:

NM_001082.5(CYP4F2):c.825C>T (p.Arg275=)

Gene: CYP4F2 (cytochrome P450 family 4 subfamily F member 2; minus strand). Cytogenetic location: 19p13.12.
Variant type: single nucleotide variant.
Coding change: c.825C>T on transcript NM_001082.5 (MANE Select); coding-DNA position 825, C replaced by T.
Protein change: p.Arg275=; no amino-acid change (arginine 275 retained).
Molecular consequence: synonymous variant.
Genome position (GRCh38, 1-based): chr19:15,889,516, G>A on the plus strand (C>T on the coding strand, the complement: CYP4F2 is on the minus strand). VCF-style: chr19-15889516-G-A. GRCh37 (hg19) VCF-style: chr19-16000326-G-A.
Identifiers: ClinVar variation 3352691 (VCV003352691.1).

ClinVar aggregate classification (germline): Likely benign (0 of 4 stars; one submission).

Conditions:
CYP4F2-related disorder. Also called: CYP4F2-related condition.

gnomAD v4.1: 47 of 1,614,166 alleles (0.0029%); highest among the groups gnomAD compares: Admixed American, 0.067%; no homozygotes.

Submission:

PreventionGenetics, part of Exact Sciences
Classification: Likely benign for CYP4F2-related condition. Last evaluated: 2019-05-20. Review status: no assertion criteria provided. Collection method: clinical testing. Allele origin: germline.
Comment: This variant is classified as likely benign based on ACMG/AMP sequence variant interpretation guidelines (Richards et al. 2015 PMID: 25741868, with internal and published modifications).